The following is an entry in ClinVar:

ClinVar aggregate classification (germline): Likely benign (1 of 4 stars; one submission).

gnomAD v4.1: 9 of 1,611,578 alleles (0.00056%); highest among the groups gnomAD compares: Non-Finnish European, 0.00076%; no homozygotes.

Submission:

CeGaT Center for Human Genetics Tuebingen
Classification: Likely benign. Last evaluated: 2025-11-01. Review status: criteria provided, single submitter. Criteria: CeGaT Center For Human Genetics Tuebingen Variant Classification Criteria Version 2. Collection method: clinical testing. Allele origin: germline. Affected: yes. Observed: 1 variant allele.
Comment: IARS2: BP4, BP7

NM_018060.4(IARS2):c.193C>T (p.Leu65=)

Gene: IARS2 (isoleucyl-tRNA synthetase 2, mitochondrial; plus strand). Cytogenetic location: 1q41.
Variant type: single nucleotide variant.
Coding change: c.193C>T on transcript NM_018060.4 (MANE Select); coding-DNA position 193, C replaced by T.
Protein change: p.Leu65=; no amino-acid change (leucine 65 retained).
Molecular consequence: synonymous variant.
Genome position (GRCh38, 1-based): chr1:220,094,409, C>T. VCF-style: chr1-220094409-C-T. GRCh37 (hg19) VCF-style: chr1-220267751-C-T.
Identifiers: ClinVar variation 4534148 (VCV004534148.6).